The following is an entry in ClinVar:

ClinVar aggregate classification (germline): Uncertain significance (1 of 4 stars; one submission).

Conditions:
Beckwith-Wiedemann syndrome (BWS). Also called: EMG SYNDROME; Exomphalos macroglossia gigantism syndrome. Identifiers: Orphanet 116, MedGen C0004903, MONDO:0007534, OMIM 130650.

Submission:

Labcorp Genetics (formerly Invitae), Labcorp
Classification: Uncertain significance for Beckwith-Wiedemann syndrome. Last evaluated: 2021-03-23. Review status: criteria provided, single submitter. Criteria: Invitae Variant Classification Sherloc (09022015). Collection method: clinical testing. Allele origin: germline.
Comment: In summary, the available evidence is currently insufficient to determine the role of this variant in disease. Therefore, it has been classified as a Variant of Uncertain Significance. This variant has not been reported in the literature in individuals with CDKN1C-related disease. While this variant is not present in population databases, the frequency information is unreliable, as metrics indicate poor data quality at this position in the ExAC database. This sequence change replaces serine with tryptophan at codon 287 of the CDKN1C protein (p.Ser287Trp). The serine residue is weakly conserved and there is a large physicochemical difference between serine and tryptophan.

NM_001122630.2(CDKN1C):c.827C>G (p.Ser276Trp)

Gene: CDKN1C (cyclin dependent kinase inhibitor 1C; minus strand). Cytogenetic location: 11p15.4.
Variant type: single nucleotide variant.
Coding change: c.827C>G on transcript NM_001122630.2 (MANE Select); coding-DNA position 827, C replaced by G.
Protein change: p.Ser276Trp; replaces serine 276 with tryptophan.
Molecular consequence: missense variant.
Genome position (GRCh38, 1-based): chr11:2,884,095, G>C on the plus strand (C>G on the coding strand, the complement: CDKN1C is on the minus strand). VCF-style: chr11-2884095-G-C. GRCh37 (hg19) VCF-style: chr11-2905325-G-C.
Other names: c.860C>G, p.Ser287Trp (LRG_533t1, NM_000076.2, NM_001362474.2); c.827C>G, p.Ser276Trp (NM_001122631.2); c.295C>G, p.Arg99Gly (NM_001362475.2); short protein forms S287W, R99G, S276W.
Identifiers: ClinVar variation 570919 (VCV000570919.8), dbSNP rs928007699, ClinGen allele CA379144998.